The following is an entry in ClinVar:

ClinVar aggregate classification (germline): Uncertain significance (1 of 4 stars; one submission).

Allele frequency attached by ClinVar (database versions not stated): gnomAD exomes below 0.00001; ExAC 0.00002.
gnomAD v4.1: 2 of 1,614,014 alleles (0.00012%); highest among the groups gnomAD compares: Non-Finnish European, 0.00017%; no homozygotes.

Submission:

Labcorp Genetics (formerly Invitae), Labcorp
Classification: Uncertain significance. Last evaluated: 2022-08-22. Review status: criteria provided, single submitter. Criteria: Invitae Variant Classification Sherloc (09022015). Collection method: clinical testing. Allele origin: germline.
Comment: In summary, the available evidence is currently insufficient to determine the role of this variant in disease. Therefore, it has been classified as a Variant of Uncertain Significance. Algorithms developed to predict the effect of sequence changes on RNA splicing suggest that this variant may create or strengthen a splice site. Algorithms developed to predict the effect of missense changes on protein structure and function (SIFT, PolyPhen-2, Align-GVGD) all suggest that this variant is likely to be tolerated. This variant has not been reported in the literature in individuals affected with PRPF6-related conditions. This variant is present in population databases (rs201356673, gnomAD 0.0009%). This sequence change replaces alanine, which is neutral and non-polar, with valine, which is neutral and non-polar, at codon 693 of the PRPF6 protein (p.Ala693Val).

NM_012469.4(PRPF6):c.2078C>T (p.Ala693Val)

Gene: PRPF6 (pre-mRNA processing factor 6; plus strand). Cytogenetic location: 20q13.33.
Variant type: single nucleotide variant.
Coding change: c.2078C>T on transcript NM_012469.4 (MANE Select); coding-DNA position 2078, C replaced by T.
Protein change: p.Ala693Val; replaces alanine 693 with valine.
Molecular consequence: missense variant.
Genome position (GRCh38, 1-based): chr20:64,027,031, C>T. VCF-style: chr20-64027031-C-T. GRCh37 (hg19) VCF-style: chr20-62658384-C-T.
Other names: short protein forms A693V.
Identifiers: ClinVar variation 1901491 (VCV001901491.5), dbSNP rs201356673, ClinGen allele CA9972368.
Genomic context (GRCh38, chr20:64,027,031, plus strand): 5'-CTGCCCCACAGGTGTTCATGAAGTCTGTGAAGCTGGAGTGGGTGCAAGACAACATCAGGG[C>T]AGCCCAAGATCTGTGCGAGGAGGCCCTGCGGCACTATGAGGACTTCCCCAAGCTGTGGAT-3'
Protein context (NP_036601.2, residues 683-703): KLEWVQDNIR[Ala693Val]AQDLCEEALR